The following is an entry in ClinVar:

ClinVar aggregate classification (germline): Uncertain significance (1 of 4 stars; one submission).

Allele frequency attached by ClinVar (database versions not stated): gnomAD 0.00001.
gnomAD v4.1: 2 of 1,513,698 alleles (0.00013%); highest among the groups gnomAD compares: Admixed American, 0.0045%; no homozygotes.

Submission:

Ambry Genetics
Classification: Uncertain significance. Last evaluated: 2021-07-11. Review status: criteria provided, single submitter. Criteria: Ambry Variant Classification Scheme 2023. Collection method: clinical testing. Allele origin: germline.
Comment: The p.C1080G variant (also known as c.3238T>G), located in coding exon 25 of the BUB1 gene, results from a T to G substitution at nucleotide position 3238. The cysteine at codon 1080 is replaced by glycine, an amino acid with highly dissimilar properties. This amino acid position is conserved. In addition, this alteration is predicted to be tolerated by in silico analysis. Since supporting evidence is limited at this time, the clinical significance of this alteration remains unclear.

NM_004336.5(BUB1):c.3238T>G (p.Cys1080Gly)

Gene: BUB1 (BUB1 mitotic checkpoint serine/threonine kinase; minus strand). Cytogenetic location: 2q13.
Variant type: single nucleotide variant.
Coding change: c.3238T>G on transcript NM_004336.5 (MANE Select); coding-DNA position 3238, T replaced by G.
Protein change: p.Cys1080Gly; replaces cysteine 1080 with glycine.
Molecular consequence: missense variant.
Genome position (GRCh38, 1-based): chr2:110,637,984, A>C on the plus strand (T>G on the coding strand, the complement: BUB1 is on the minus strand). VCF-style: chr2-110637984-A-C. GRCh37 (hg19) VCF-style: chr2-111395561-A-C.
Other names: c.3178T>G, p.Cys1060Gly (NM_001278616.2); c.3067T>G, p.Cys1023Gly (NM_001278617.2); short protein forms C1023G, C1060G, C1080G.
Identifiers: ClinVar variation 1729265 (VCV001729265.2), dbSNP rs1215295893, ClinGen allele CA348088242.